The following is an entry in ClinVar:

NM_006420.3(ARFGEF2):c.2362-9dup

Gene: ARFGEF2 (ARF guanine nucleotide exchange factor 2; plus strand). Cytogenetic location: 20q13.13.
Variant type: Duplication.
Coding change: c.2362-9dup on transcript NM_006420.3 (MANE Select); 9 bases into the intron before coding-DNA position 2362, one base duplicated (T; older notation c.2362-9dupT).
Molecular consequence: intron variant.
Genome position (GRCh38, 1-based): chr20:48,988,482, T duplicated; the last of 8 consecutive T bases (chr20:48,988,475-48,988,482); duplicating any one gives the same sequence. VCF-style (leftmost placement, unchanged base first): chr20-48988474-A-AT. GRCh37 (hg19) VCF-style: chr20-47605011-A-AT.
Other names: c.2359-9dup (NM_001410846.1).
Identifiers: ClinVar variation 3045992 (VCV003045992.2), dbSNP rs374651419, ClinGen allele CA9898626.

ClinVar aggregate classification (germline): Likely benign (0 of 4 stars; one submission).

Conditions:
ARFGEF2-related disorder. Also called: ARFGEF2-related condition.

Submission:

PreventionGenetics, part of Exact Sciences
Classification: Likely benign for ARFGEF2-related condition. Last evaluated: 2023-05-16. Review status: no assertion criteria provided. Collection method: clinical testing. Allele origin: germline.
Comment: This variant is classified as likely benign based on ACMG/AMP sequence variant interpretation guidelines (Richards et al. 2015 PMID: 25741868, with internal and published modifications).